The following is an entry in ClinVar:

ClinVar aggregate classification (germline): Benign/Likely benign. Review status: criteria provided, multiple submitters, no conflicts (2 of 4 stars). 9 submissions from 5 submitters: Benign (6); Likely benign (3). Last evaluated 2024-10-03.

Conditions:
Fetal akinesia, respiratory insufficiency, microcephaly, polymicrogyria, and dysmorphic facies. Identifiers: MedGen C5562015, MONDO:0859204, OMIM 619602.
Developmental and epileptic encephalopathy 98. Identifiers: MedGen C5562017, MONDO:0030472, OMIM 619605.
Migraine, familial hemiplegic, 2. Identifiers: Orphanet 569, MedGen C1865322, MONDO:0011232, OMIM 602481.
Alternating hemiplegia of childhood 1 (AHC1). Identifiers: Orphanet 2131, MedGen C3549447, MONDO:0007087, OMIM 104290.
Inborn genetic diseases. Identifiers: MedGen C0950123, MeSH D030342.
Familial hemiplegic migraine. Identifiers: MedGen C0338484, MONDO:0000700.

Allele frequency attached by ClinVar (database versions not stated): gnomAD exomes 0.00003 and 0.00012; gnomAD 0.00004 and 0.00005; TOPMed 0.00008; ExAC 0.00014; 1000 Genomes Project 30x 0.00031; 1000 Genomes Project 0.00040.
gnomAD v4.1: 51 of 1,613,806 alleles (0.0032%); highest among the groups gnomAD compares: East Asian, 0.071%; no homozygotes.

Submissions (9):

Blueprint Genetics
Classification: Likely benign. Last evaluated: 2024-10-03. Review status: criteria provided, single submitter. Criteria: ACMG Guidelines, 2015. Collection method: clinical testing. Allele origin: germline.

Labcorp Genetics (formerly Invitae), Labcorp
Classification: Benign for Familial hemiplegic migraine. Last evaluated: 2024-07-23. Review status: criteria provided, single submitter. Criteria: Invitae Variant Classification Sherloc (09022015). Collection method: clinical testing. Allele origin: germline.

Genome-Nilou Lab
Classification: Benign for Alternating hemiplegia of childhood 1. Last evaluated: 2021-12-05. Review status: criteria provided, single submitter. Criteria: ACMG Guidelines, 2015. Collection method: clinical testing. Allele origin: germline. Affected: no.

Genome-Nilou Lab
Classification: Benign for Developmental and epileptic encephalopathy 98. Last evaluated: 2021-12-05. Review status: criteria provided, single submitter. Criteria: ACMG Guidelines, 2015. Collection method: clinical testing. Allele origin: germline. Affected: no.

Genome-Nilou Lab
Classification: Benign for Fetal akinesia, respiratory insufficiency, microcephaly, polymicrogyria, and dysmorphic facies. Last evaluated: 2021-12-05. Review status: criteria provided, single submitter. Criteria: ACMG Guidelines, 2015. Collection method: clinical testing. Allele origin: germline. Affected: no.

Genome-Nilou Lab
Classification: Benign for Migraine, familial hemiplegic, 2. Last evaluated: 2021-12-05. Review status: criteria provided, single submitter. Criteria: ACMG Guidelines, 2015. Collection method: clinical testing. Allele origin: germline. Affected: no.

Illumina Laboratory Services, Illumina
Classification: Likely benign for Migraine, familial hemiplegic, 2. Last evaluated: 2018-01-13. Review status: criteria provided, single submitter. Criteria: ICSL Variant Classification Criteria 13 December 2019. Collection method: clinical testing. Allele origin: germline.
Comment: This variant was observed in the ICSL laboratory as part of a predisposition screen in an ostensibly healthy population. It had not been previously curated by ICSL or reported in the Human Gene Mutation Database (HGMD: prior to June 1st, 2018), and was therefore a candidate for classification through an automated scoring system. Utilizing variant allele frequency, disease prevalence and penetrance estimates, and inheritance mode, an automated score was calculated to assess if this variant is too frequent to cause the disease. Based on the score and internal cut-off values, a variant classified as likely benign is not then subjected to further curation. The score for this variant resulted in a classification of likely benign for this disease.

Illumina Laboratory Services, Illumina
Classification: Benign for Alternating hemiplegia of childhood 1. Last evaluated: 2018-01-13. Review status: criteria provided, single submitter. Criteria: ICSL Variant Classification Criteria 13 December 2019. Collection method: clinical testing. Allele origin: germline.
Comment: This variant was observed in the ICSL laboratory as part of a predisposition screen in an ostensibly healthy population. It had not been previously curated by ICSL or reported in the Human Gene Mutation Database (HGMD: prior to June 1st, 2018), and was therefore a candidate for classification through an automated scoring system. Utilizing variant allele frequency, disease prevalence and penetrance estimates, and inheritance mode, an automated score was calculated to assess if this variant is too frequent to cause the disease. Based on the score and internal cut-off values, a variant classified as benign is not then subjected to further curation. The score for this variant resulted in a classification of benign for this disease.

Ambry Genetics
Classification: Likely benign for Inborn genetic diseases. Last evaluated: 2017-05-04. Review status: criteria provided, single submitter. Criteria: Ambry Variant Classification Scheme 2023. Collection method: clinical testing. Allele origin: germline.

NM_000702.4(ATP1A2):c.969C>T (p.Ile323=)

Gene: ATP1A2 (ATPase Na+/K+ transporting subunit alpha 2; plus strand). Cytogenetic location: 1q23.2.
Variant type: single nucleotide variant.
Coding change: c.969C>T on transcript NM_000702.4 (MANE Select); coding-DNA position 969, C replaced by T.
Protein change: p.Ile323=; no amino-acid change (isoleucine 323 retained).
Molecular consequence: synonymous variant.
Genome position (GRCh38, 1-based): chr1:160,127,772, C>T. VCF-style: chr1-160127772-C-T. GRCh37 (hg19) VCF-style: chr1-160097562-C-T.
Identifiers: ClinVar variation 590133 (VCV000590133.21), dbSNP rs28716941, ClinGen allele CA1194313.